The following is an entry in ClinVar:

ClinVar aggregate classification (germline): Uncertain significance (1 of 4 stars; one submission).

Conditions:
Oligodontia-cancer predisposition syndrome. Also called: TOOTH AGENESIS-COLORECTAL CANCER SYNDROME. Identifiers: Orphanet 300576, MedGen C1837750, MONDO:0012075, OMIM 608615. Disease mechanism: loss of function.

Submission:

Labcorp Genetics (formerly Invitae), Labcorp
Classification: Uncertain significance for Oligodontia-cancer predisposition syndrome. Last evaluated: 2025-11-17. Review status: criteria provided, single submitter. Criteria: Invitae Variant Classification Sherloc (09022015). Collection method: clinical testing. Allele origin: germline.
Comment: This sequence change replaces methionine, which is neutral and non-polar, with isoleucine, which is neutral and non-polar, at codon 170 of the AXIN2 protein (p.Met170Ile). This variant is not present in population databases (gnomAD no frequency). This variant has not been reported in the literature in individuals affected with AXIN2-related conditions. ClinVar contains an entry for this variant (Variation ID: 3647909). Invitae Evidence Modeling of protein sequence and biophysical properties (such as structural, functional, and spatial information, amino acid conservation, physicochemical variation, residue mobility, and thermodynamic stability) indicates that this missense variant is not expected to disrupt AXIN2 protein function with a negative predictive value of 80%. In summary, the available evidence is currently insufficient to determine the role of this variant in disease. Therefore, it has been classified as a Variant of Uncertain Significance.

NM_004655.4(AXIN2):c.510G>A (p.Met170Ile)

Gene: AXIN2 (axin 2; minus strand). Cytogenetic location: 17q24.1.
Variant type: single nucleotide variant.
Coding change: c.510G>A on transcript NM_004655.4 (MANE Select); coding-DNA position 510, G replaced by A.
Protein change: p.Met170Ile; replaces methionine 170 with isoleucine.
Molecular consequence: missense variant.
Genome position (GRCh38, 1-based): chr17:65,558,111, C>T on the plus strand (G>A on the coding strand, the complement: AXIN2 is on the minus strand). VCF-style: chr17-65558111-C-T. GRCh37 (hg19) VCF-style: chr17-63554229-C-T.
Other names: c.510G>A, p.Met170Ile (NM_001363813.1); short protein forms M170I.
Identifiers: ClinVar variation 3647909 (VCV003647909.2).